The following is an entry in ClinVar:

NM_000069.3(CACNA1S):c.4339-14G>A

Gene: CACNA1S (calcium voltage-gated channel subunit alpha1 S; minus strand). Cytogenetic location: 1q32.1.
Variant type: single nucleotide variant.
Coding change: c.4339-14G>A on transcript NM_000069.3 (MANE Select); 14 bases into the intron before coding-DNA position 4339, G replaced by A.
Molecular consequence: intron variant.
Genome position (GRCh38, 1-based): chr1:201,048,698, C>T on the plus strand (G>A on the coding strand, the complement: CACNA1S is on the minus strand). VCF-style: chr1-201048698-C-T. GRCh37 (hg19) VCF-style: chr1-201017826-C-T.
Identifiers: ClinVar variation 682330 (VCV000682330.15), dbSNP rs200570483, ClinGen allele CA083238.

ClinVar aggregate classification (germline): Benign/Likely benign. Review status: criteria provided, multiple submitters, no conflicts (2 of 4 stars). 10 submissions from 7 submitters: Benign (1); Likely benign (9). Last evaluated 2026-01-26.

Conditions:
Congenital myopathy 18. Also called: DIHYDROPYRIDINE RECEPTOR CONGENITAL MYOPATHY; DHPR CONGENITAL MYOPATHY; Myopathy, congenital, due to dihydropyridine receptor defect. Identifiers: MedGen C5830283, MONDO:0859514, OMIM 620246.
Thyrotoxic periodic paralysis, susceptibility to, 1 (TTPP1). Identifiers: Orphanet 79102, MedGen C2749982, MONDO:0008570, OMIM 188580.
Hypokalemic periodic paralysis, type 1. Also called: HypoPP; Hypokalemic Periodic Paralysis Type 1 (AD). Identifiers: Orphanet 681, MedGen C3714580, MONDO:0042979, OMIM 170400.
Malignant hyperthermia, susceptibility to, 5 (MHS5). Also called: CACNA1S-Related Malignant Hyperthermia Susceptibility. Identifiers: Orphanet 423, MedGen C1866077, MONDO:0011163, OMIM 601887.

Allele frequency attached by ClinVar (database versions not stated): 1000 Genomes Project 30x 0.00016; 1000 Genomes Project 0.00020; gnomAD exomes 0.00027; ExAC 0.00034; gnomAD 0.00048 and 0.00051; TOPMed 0.00063; ESP Exome Variant Server 0.00069.
gnomAD v4.1: 738 of 1,607,146 alleles (0.046%); highest among the groups gnomAD compares: African/African-American, 0.085%; no homozygotes.

Submissions (10):

Labcorp Genetics (formerly Invitae), Labcorp
Classification: Likely benign for Hypokalemic periodic paralysis, type 1; Malignant hyperthermia, susceptibility to, 5. Last evaluated: 2026-01-26. Review status: criteria provided, single submitter. Criteria: Invitae Variant Classification Sherloc (09022015). Collection method: clinical testing. Allele origin: germline.

Women's Health and Genetics/Laboratory Corporation of America, LabCorp
Classification: Benign. Last evaluated: 2025-01-06. Review status: criteria provided, single submitter. Criteria: LabCorp Variant Classification Summary - May 2015. Collection method: clinical testing. Allele origin: germline.

Blueprint Genetics
Classification: Likely benign. Last evaluated: 2024-10-09. Review status: criteria provided, single submitter. Criteria: ACMG Guidelines, 2015. Collection method: clinical testing. Allele origin: germline.

All of Us Research Program, National Institutes of Health
Classification: Likely benign for Malignant hyperthermia, susceptibility to, 5. Last evaluated: 2024-02-05. Review status: criteria provided, single submitter. Criteria: ACMG Guidelines, 2015. Collection method: clinical testing. Allele origin: germline. Inheritance: Autosomal dominant inheritance. Observed: 92 variant alleles, 92 heterozygotes.
Comment: This study involves interpretation of variants in research participants for the purpose of population health screening. Participant phenotype was not available at the time of variant classification. Additional details can be found in publication PMID: 35346344, PMCID: PMC8962531

Genome-Nilou Lab
Classification: Likely benign for Malignant hyperthermia, susceptibility to, 5. Last evaluated: 2023-04-11. Review status: criteria provided, single submitter. Criteria: ACMG Guidelines, 2015. Collection method: clinical testing. Allele origin: germline. Affected: no.

Genome-Nilou Lab
Classification: Likely benign for Thyrotoxic periodic paralysis, susceptibility to, 1. Last evaluated: 2023-04-11. Review status: criteria provided, single submitter. Criteria: ACMG Guidelines, 2015. Collection method: clinical testing. Allele origin: germline. Affected: no.

Genome-Nilou Lab
Classification: Likely benign for Congenital myopathy 18. Last evaluated: 2023-04-11. Review status: criteria provided, single submitter. Criteria: ACMG Guidelines, 2015. Collection method: clinical testing. Allele origin: germline. Affected: no.

Genome-Nilou Lab
Classification: Likely benign for Hypokalemic periodic paralysis, type 1. Last evaluated: 2023-04-11. Review status: criteria provided, single submitter. Criteria: ACMG Guidelines, 2015. Collection method: clinical testing. Allele origin: germline. Affected: no.

Color Diagnostics, LLC DBA Color Health
Classification: Likely benign for Malignant hyperthermia, susceptibility to, 5. Last evaluated: 2022-09-16. Review status: criteria provided, single submitter. Criteria: ACMG Guidelines, 2015. Collection method: clinical testing. Allele origin: germline.

GeneDx
Classification: Likely benign. Last evaluated: 2018-04-26. Review status: criteria provided, single submitter. Criteria: GeneDx Variant Classification (06012015). Collection method: clinical testing. Allele origin: germline. Affected: yes.
Comment: This variant is considered likely benign or benign based on one or more of the following criteria: it is a conservative change, it occurs at a poorly conserved position in the protein, it is predicted to be benign by multiple in silico algorithms, and/or has population frequency not consistent with disease.